The following is an entry in ClinVar:

ClinVar aggregate classification (germline): Likely benign. Review status: criteria provided, multiple submitters, no conflicts (2 of 4 stars). 3 submissions from 3 submitters: Likely benign (2). 1 of the submissions does not count toward it. Last evaluated 2026-01-05.

Conditions:
ST3GAL5-related disorder. Also called: ST3GAL5-related condition.
GM3 synthase deficiency (SPDRS). Also called: AMISH INFANTILE EPILEPSY SYNDROME; SALT AND PEPPER MENTAL RETARDATION SYNDROME; SALT AND PEPPER DEVELOPMENTAL REGRESSION SYNDROME. Identifiers: Orphanet 171714, Orphanet 370933, MedGen C1836824, MONDO:0018274, OMIM 609056.

Allele frequency attached by ClinVar (database versions not stated): gnomAD exomes 0.00003 and 0.00008; ExAC 0.00011; gnomAD 0.00027 and 0.00031; TOPMed 0.00028; 1000 Genomes Project 0.00040; 1000 Genomes Project 30x 0.00047; ESP Exome Variant Server 0.00054.
gnomAD v4.1: 100 of 1,613,924 alleles (0.0062%); highest among the groups gnomAD compares: African/African-American, 0.068%; no homozygotes.

Submissions (3):

Labcorp Genetics (formerly Invitae), Labcorp
Classification: Likely benign for GM3 synthase deficiency. Last evaluated: 2026-01-05. Review status: criteria provided, single submitter. Criteria: Invitae Variant Classification Sherloc (09022015). Collection method: clinical testing. Allele origin: germline.

Blueprint Genetics
Classification: Likely benign. Last evaluated: 2023-12-14. Review status: criteria provided, single submitter. Criteria: ACMG Guidelines, 2015. Collection method: clinical testing. Allele origin: germline.

PreventionGenetics, part of Exact Sciences
Classification: Likely benign for ST3GAL5-related condition. Last evaluated: 2019-06-21. Review status: no assertion criteria provided. Collection method: clinical testing. Allele origin: germline. Not counted in ClinVar's aggregate classification.
Comment: This variant is classified as likely benign based on ACMG/AMP sequence variant interpretation guidelines (Richards et al. 2015 PMID: 25741868, with internal and published modifications).

NM_003896.4(ST3GAL5):c.206+9C>T

Gene: ST3GAL5 (ST3 beta-galactoside alpha-2,3-sialyltransferase 5; minus strand). Cytogenetic location: 2p11.2.
Variant type: single nucleotide variant.
Coding change: c.206+9C>T on transcript NM_003896.4 (MANE Select); 9 bases into the intron after coding-DNA position 206, C replaced by T.
Molecular consequence: intron variant.
Genome position (GRCh38, 1-based): chr2:85,863,353, G>A on the plus strand (C>T on the coding strand, the complement: ST3GAL5 is on the minus strand). VCF-style: chr2-85863353-G-A. GRCh37 (hg19) VCF-style: chr2-86090476-G-A.
Other names: c.-356+9C>T (NM_001354226.2, NM_001354223.2); c.-796+9C>T (NM_001354233.2); c.-419+9C>T (NM_001354224.2); c.122+9C>T (NM_001354227.2, NM_001354229.2, NM_001354238.1); c.137+9C>T (NM_001042437.2); c.206+9C>T (NM_001363847.1); c.-760+9C>T (NM_001354234.1).
Identifiers: ClinVar variation 699514 (VCV000699514.14), dbSNP rs199866359, ClinGen allele CA1745143.